The following is an entry in ClinVar:

NM_003072.5(SMARCA4):c.777C>T (p.Asn259=)

Gene: SMARCA4 (SWI/SNF related BAF chromatin remodeling complex subunit ATPase 4; plus strand). Cytogenetic location: 19p13.2.
Variant type: single nucleotide variant.
Coding change: c.777C>T on transcript NM_003072.5 (MANE Select); coding-DNA position 777, C replaced by T.
Protein change: p.Asn259=; no amino-acid change (asparagine 259 retained).
Molecular consequence: synonymous variant. On other transcripts: non-coding transcript variant (1).
Genome position (GRCh38, 1-based): chr19:10,986,921, C>T. VCF-style: chr19-10986921-C-T. GRCh37 (hg19) VCF-style: chr19-11097597-C-T.
Other names: c.777C>T, p.Asn259= (NM_001128844.3, NM_001128845.2, NM_001128846.2 and 4 more transcripts).
Identifiers: ClinVar variation 827254 (VCV000827254.14), dbSNP rs1599957179, ClinGen allele CA505488677.

ClinVar aggregate classification (germline): Benign/Likely benign. Review status: criteria provided, multiple submitters, no conflicts (2 of 4 stars). 3 submissions from 3 submitters: Benign (1); Likely benign (2). Last evaluated 2026-07-09.

Conditions:
Rhabdoid tumor predisposition syndrome 2 (RTPS2). Identifiers: Orphanet 231108, Orphanet 69077, MedGen C2750074, MONDO:0013224, OMIM 613325.
Hereditary cancer-predisposing syndrome. Also called: Hereditary neoplastic syndrome; Neoplastic Syndromes, Hereditary; Tumor predisposition; Hereditary Cancer Syndrome. Identifiers: Orphanet 140162, MedGen C0027672, MeSH D009386, MONDO:0015356.

Allele frequency attached by ClinVar (database versions not stated): gnomAD exomes below 0.00001.

Submissions (3):

Myriad Genetics, Inc.
Classification: Benign for Rhabdoid tumor predisposition syndrome 2. Last evaluated: 2026-07-09. Review status: criteria provided, single submitter. Criteria: Myriad Autosomal Dominant, Autosomal Recessive and X-Linked Classification Criteria (2023). Collection method: clinical testing. Allele origin: unknown.
Comment: This variant is considered benign. This variant is a silent/synonymous amino acid change and it is not expected to impact splicing.

Labcorp Genetics (formerly Invitae), Labcorp
Classification: Likely benign for Rhabdoid tumor predisposition syndrome 2. Last evaluated: 2025-04-21. Review status: criteria provided, single submitter. Criteria: Invitae Variant Classification Sherloc (09022015). Collection method: clinical testing. Allele origin: germline.

Ambry Genetics
Classification: Likely benign for Hereditary cancer-predisposing syndrome. Last evaluated: 2018-09-10. Review status: criteria provided, single submitter. Criteria: Ambry Variant Classification Scheme 2023. Collection method: clinical testing. Allele origin: germline.